The following is an entry in ClinVar:

ClinVar aggregate classification (germline): Benign. Review status: criteria provided, multiple submitters, no conflicts (2 of 4 stars). 3 submissions from 3 submitters: Benign (2). 1 of the submissions does not count toward it. Last evaluated 2020-07-10.

Allele frequency attached by ClinVar (database versions not stated): ESP Exome Variant Server 0.00015; gnomAD 0.00047 and 0.00061; TOPMed 0.00052; gnomAD exomes 0.00082 and 0.00139; ExAC 0.00121; 1000 Genomes Project 30x 0.00125; 1000 Genomes Project 0.00160.
gnomAD v4.1: 1,114 of 1,342,260 alleles (0.083%); highest among the groups gnomAD compares: South Asian, 0.5%; 10 homozygotes.

Submissions (3):

GeneDx
Classification: Benign. Last evaluated: 2020-07-10. Review status: criteria provided, single submitter. Criteria: GeneDx Variant Classification Process June 2021. Collection method: clinical testing. Allele origin: germline. Affected: yes.

Breakthrough Genomics
Classification: Benign. Review status: criteria provided, single submitter. Criteria: ACMG Guidelines, 2015. Collection method: not provided. Allele origin: germline. Inheritance: Autosomal dominant inheritance. Affected: yes.

ITMI
No classification provided. Condition: AllHighlyPenetrant. Last evaluated: 2013-09-19. Review status: no classification provided. Collection method: reference population. Allele origin: germline. Not counted in ClinVar's aggregate classification.
Comment: Please see associated publication for description of ethnicities

Literature cited by the submitters: PubMed 24728327 (cited by ITMI).

NM_024408.4(NOTCH2):c.2479+34G>A

Gene: NOTCH2 (notch receptor 2; minus strand). Cytogenetic location: 1p12.
Variant type: single nucleotide variant.
Coding change: c.2479+34G>A on transcript NM_024408.4 (MANE Select); 34 bases into the intron after coding-DNA position 2479, G replaced by A.
Molecular consequence: intron variant.
Genome position (GRCh38, 1-based): chr1:119,950,690, C>T on the plus strand (G>A on the coding strand, the complement: NOTCH2 is on the minus strand). VCF-style: chr1-119950690-C-T. GRCh37 (hg19) VCF-style: chr1-120493313-C-T.
Other names: c.2479+34G>A (NM_001200001.2).
Identifiers: ClinVar variation 133370 (VCV000133370.4), dbSNP rs368529597, ClinGen allele CA156460.